The following is an entry in ClinVar:

NM_000059.4(BRCA2):c.4268C>T (p.Thr1423Ile)

Gene: BRCA2 (BRCA2 DNA repair associated; plus strand). Cytogenetic location: 13q13.1.
Variant type: single nucleotide variant.
Coding change: c.4268C>T on transcript NM_000059.4 (MANE Select); coding-DNA position 4268, C replaced by T.
Protein change: p.Thr1423Ile; replaces threonine 1423 with isoleucine.
Molecular consequence: missense variant.
Genome position (GRCh38, 1-based): chr13:32,338,623, C>T. VCF-style: chr13-32338623-C-T. GRCh37 (hg19) VCF-style: chr13-32912760-C-T.
Other names: short protein forms T1423I.
Identifiers: ClinVar variation 665822 (VCV000665822.21), dbSNP rs1593901864, ClinGen allele CA387780533.

ClinVar aggregate classification (germline): Conflicting classifications of pathogenicity. Review status: criteria provided, conflicting classifications (1 of 4 stars). 5 submissions from 5 submitters: Uncertain significance (3); Likely benign (2). Last evaluated 2025-06-17.

Conditions:
Hereditary breast ovarian cancer syndrome. Also called: BRCA1- and BRCA2-Associated Hereditary Breast and Ovarian Cancer; Breast and ovarian cancer; Hereditary breast and ovarian cancer syndrome (HBOC); Hereditary breast and ovarian cancer; Hereditary breast and ovarian cancer syndrome; Hereditary breast and/or ovarian cancer syndrome. Identifiers: Orphanet 145, MedGen C0677776, MeSH D061325, MONDO:0003582. Disease mechanism: loss of function.
Hereditary cancer-predisposing syndrome. Also called: Tumor predisposition; Hereditary neoplastic syndrome; Neoplastic Syndromes, Hereditary; Hereditary Cancer Syndrome. Identifiers: Orphanet 140162, MedGen C0027672, MeSH D009386, MONDO:0015356.

Allele frequency attached by ClinVar (database versions not stated): TOPMed below 0.00001.

Submissions (5):

Color Diagnostics, LLC DBA Color Health
Classification: Uncertain significance for Hereditary cancer-predisposing syndrome. Last evaluated: 2025-06-17. Review status: criteria provided, single submitter. Criteria: ACMG Guidelines, 2015. Collection method: clinical testing. Allele origin: germline.
Comment: This missense variant replaces threonine with isoleucine at codon 1423 of the BRCA2 protein. Computational prediction suggests that this variant may not impact protein structure and function. To our knowledge, functional studies have not been reported for this variant. This variant has not been reported in individuals affected with BRCA2-related disorders in the literature. This variant has not been identified in the general population by the Genome Aggregation Database (gnomAD). The available evidence is insufficient to determine the role of this variant in disease conclusively. Therefore, this variant is classified as a Variant of Uncertain Significance.

Labcorp Genetics (formerly Invitae), Labcorp
Classification: Uncertain significance for Hereditary breast ovarian cancer syndrome. Last evaluated: 2024-12-20. Review status: criteria provided, single submitter. Criteria: Invitae Variant Classification Sherloc (09022015). Collection method: clinical testing. Allele origin: germline.
Comment: This sequence change replaces threonine, which is neutral and polar, with isoleucine, which is neutral and non-polar, at codon 1423 of the BRCA2 protein (p.Thr1423Ile). This variant is not present in population databases (gnomAD no frequency). This variant has not been reported in the literature in individuals affected with BRCA2-related conditions. ClinVar contains an entry for this variant (Variation ID: 665822). Invitae Evidence Modeling of protein sequence and biophysical properties (such as structural, functional, and spatial information, amino acid conservation, physicochemical variation, residue mobility, and thermodynamic stability) indicates that this missense variant is not expected to disrupt BRCA2 protein function with a negative predictive value of 95%. In summary, the available evidence is currently insufficient to determine the role of this variant in disease. Therefore, it has been classified as a Variant of Uncertain Significance.

University of Washington Department of Laboratory Medicine, University of Washington
Classification: Likely benign for Hereditary cancer-predisposing syndrome. Last evaluated: 2023-03-23. Review status: criteria provided, single submitter. Criteria: Dines et al. (Genet Med. 2020). Collection method: curation. Allele origin: germline.
Comment: Missense variant in a coldspot region where missense variants are very unlikely to be pathogenic (PMID:31911673).

BRCA2 exon 11 coldspot. Reclassification based on statistical prior probability.

Sema4
Classification: Uncertain significance for Hereditary cancer-predisposing syndrome. Last evaluated: 2021-10-13. Review status: criteria provided, single submitter. Criteria: Sema4 Curation Guidelines. Collection method: curation. Allele origin: germline.
Comment: The BRCA2 c.4268C>T (p.T1423I) variant has not been reported in the literature to our knowledge. This variant was not observed in the large and broad cohorts of the Genome Aggregation Database (PMID: 32461654). This variant has been reported in ClinVar (Variation ID 665822). Functional studies have not been performed, and in silico predictions of the variant's effect on protein function are inconclusive. Based on the current evidence available, this variant is interpreted as a variant of uncertain significance.

Ambry Genetics
Classification: Likely benign for Hereditary cancer-predisposing syndrome. Last evaluated: 2019-09-24. Review status: criteria provided, single submitter. Criteria: Ambry Variant Classification Scheme 2023. Collection method: clinical testing. Allele origin: germline.